The following is an entry in ClinVar:

NM_003072.5(SMARCA4):c.4187C>T (p.Thr1396Met)

Gene: SMARCA4 (SWI/SNF related BAF chromatin remodeling complex subunit ATPase 4; plus strand). Cytogenetic location: 19p13.2.
Variant type: single nucleotide variant.
Coding change: c.4187C>T on transcript NM_003072.5 (MANE Select); coding-DNA position 4187, C replaced by T.
Protein change: p.Thr1396Met; replaces threonine 1396 with methionine.
Molecular consequence: missense variant. On other transcripts: non-coding transcript variant (1).
Genome position (GRCh38, 1-based): chr19:11,041,323, C>T. VCF-style: chr19-11041323-C-T. GRCh37 (hg19) VCF-style: chr19-11151999-C-T.
Other names: c.4187C>T, p.Thr1396Met (NM_001128844.3); c.4097C>T, p.Thr1366Met (NM_001128845.2, NM_001128846.2); c.4088C>T, p.Thr1363Met (NM_001128847.4, NM_001128848.2, NM_001374457.1); c.4283C>T, p.Thr1428Met (NM_001128849.3); short protein forms T1363M, T1396M, T1428M, T1366M.
Identifiers: ClinVar variation 849396 (VCV000849396.14), dbSNP rs1262500025, ClinGen allele CA404072770.

ClinVar aggregate classification (germline): Conflicting classifications of pathogenicity. Review status: criteria provided, conflicting classifications (1 of 4 stars). 4 submissions from 4 submitters: Uncertain significance (3); Likely benign (1). Last evaluated 2025-10-16.

Conditions:
Hereditary cancer-predisposing syndrome. Also called: Tumor predisposition; Neoplastic Syndromes, Hereditary; Hereditary neoplastic syndrome; Hereditary Cancer Syndrome. Identifiers: Orphanet 140162, MedGen C0027672, MeSH D009386, MONDO:0015356.
Rhabdoid tumor predisposition syndrome 2 (RTPS2). Identifiers: Orphanet 231108, Orphanet 69077, MedGen C2750074, MONDO:0013224, OMIM 613325.
Intellectual disability, autosomal dominant 16 (CSS4). Also called: COFFIN-SIRIS SYNDROME 4. Identifiers: Orphanet 1465, MedGen C3553249, MONDO:0013821, OMIM 614609.

Allele frequency attached by ClinVar (database versions not stated): gnomAD 0.00001; gnomAD exomes 0.00001; TOPMed 0.00001.
gnomAD v4.1: 5 of 1,611,138 alleles (0.00031%); highest among the groups gnomAD compares: African/African-American, 0.0013%; no homozygotes.

Submissions (4):

Ambry Genetics
Classification: Likely benign for Hereditary cancer-predisposing syndrome. Last evaluated: 2025-10-16. Review status: criteria provided, single submitter. Criteria: Ambry Variant Classification Scheme 2023. Collection method: clinical testing. Allele origin: germline.

Labcorp Genetics (formerly Invitae), Labcorp
Classification: Uncertain significance for Rhabdoid tumor predisposition syndrome 2. Last evaluated: 2025-09-21. Review status: criteria provided, single submitter. Criteria: Invitae Variant Classification Sherloc (09022015). Collection method: clinical testing. Allele origin: germline.
Comment: This sequence change replaces threonine, which is neutral and polar, with methionine, which is neutral and non-polar, at codon 1428 of the SMARCA4 protein (p.Thr1428Met). This variant is not present in population databases (gnomAD no frequency). This variant has not been reported in the literature in individuals affected with SMARCA4-related conditions. ClinVar contains an entry for this variant (Variation ID: 849396). Invitae Evidence Modeling of protein sequence and biophysical properties (such as structural, functional, and spatial information, amino acid conservation, physicochemical variation, residue mobility, and thermodynamic stability) has been performed for this missense variant. However, the output from this modeling did not meet the statistical confidence thresholds required to predict the impact of this variant on SMARCA4 protein function. In summary, the available evidence is currently insufficient to determine the role of this variant in disease. Therefore, it has been classified as a Variant of Uncertain Significance.

Genome-Nilou Lab
Classification: Uncertain significance for Intellectual disability, autosomal dominant 16. Last evaluated: 2021-07-15. Review status: criteria provided, single submitter. Criteria: ACMG Guidelines, 2015. Collection method: clinical testing. Allele origin: germline. Affected: no.

GeneDx
Classification: Uncertain significance. Last evaluated: 2019-05-24. Review status: criteria provided, single submitter. Criteria: GeneDx Variant Classification Process June 2021. Collection method: clinical testing. Allele origin: germline. Affected: yes.
Comment: Has not been previously published as pathogenic or benign to our knowledge; Not observed in large population cohorts (Lek et al., 2016); In silico analysis, which includes protein predictors and evolutionary conservation, supports that this variant does not alter protein structure/function